The following is an entry in ClinVar:

NM_033056.4(PCDH15):c.5313T>G (p.Ile1771Met)

Gene: PCDH15 (protocadherin related 15; minus strand). Cytogenetic location: 10q21.1.
Variant type: single nucleotide variant.
Coding change: c.5313T>G on transcript NM_033056.4 (MANE Plus Clinical); coding-DNA position 5313, T replaced by G.
Protein change: p.Ile1771Met; replaces isoleucine 1771 with methionine.
Molecular consequence: missense variant. On other transcripts: intron variant (8).
Genome position (GRCh38, 1-based): chr10:53,822,413, A>C on the plus strand (T>G on the coding strand, the complement: PCDH15 is on the minus strand). VCF-style: chr10-53822413-A-C. GRCh37 (hg19) VCF-style: chr10-55582173-A-C.
Other names: c.5334T>G, p.Ile1778Met (NM_001142763.2); c.5319T>G, p.Ile1773Met (NM_001142764.2); c.5106T>G, p.Ile1702Met (NM_001142765.2); c.5304T>G, p.Ile1768Met (NM_001142766.2); c.5193T>G, p.Ile1731Met (NM_001142767.2); c.5253T>G, p.Ile1751Met (NM_001142768.2); c.5244T>G, p.Ile1748Met (NM_001142773.2); c.5247T>G, p.Ile1749Met (NM_001354404.2); and 7 more; short protein forms I1771M, I1768M, I1773M, I1778M, I1731M, I1748M, I1749M, I1702M.
Identifiers: ClinVar variation 300172 (VCV000300172.6), dbSNP rs886047061, ClinGen allele CA10628702.

ClinVar aggregate classification (germline): Uncertain significance. Review status: criteria provided, multiple submitters, no conflicts (2 of 4 stars). 2 submissions from 2 submitters: Uncertain significance (2). Last evaluated 2023-03-17.

Conditions:
Usher syndrome type 1 (USH1). Also called: RETINITIS PIGMENTOSA AND CONGENITAL DEAFNESS. Identifiers: Orphanet 231169, Orphanet 886, MedGen C1568247, MONDO:0010168, OMIM 276900.

Allele frequency attached by ClinVar (database versions not stated): TOPMed below 0.00001; gnomAD 0.00001.
gnomAD v4.1: 10 of 1,578,688 alleles (0.00063%); highest among the groups gnomAD compares: Non-Finnish European, 0.0006%; no homozygotes.

Submissions (2):

GeneDx
Classification: Uncertain significance. Last evaluated: 2023-03-17. Review status: criteria provided, single submitter. Criteria: GeneDx Variant Classification Process June 2021. Collection method: clinical testing. Allele origin: germline. Affected: yes.
Comment: Not observed at significant frequency in large population cohorts (gnomAD); In silico analysis supports that this missense variant does not alter protein structure/function; Has not been previously published as pathogenic or benign to our knowledge

Illumina Laboratory Services, Illumina
Classification: Uncertain significance for Usher syndrome type 1. Last evaluated: 2018-01-12. Review status: criteria provided, single submitter. Criteria: ICSL Variant Classification Criteria 13 December 2019. Collection method: clinical testing. Allele origin: germline.